The following is an entry in ClinVar:

NM_004370.6(COL12A1):c.5408G>A (p.Gly1803Glu)

Gene: COL12A1 (collagen type XII alpha 1 chain; minus strand). Cytogenetic location: 6q13.
Variant type: single nucleotide variant.
Coding change: c.5408G>A on transcript NM_004370.6 (MANE Select); coding-DNA position 5408, G replaced by A.
Protein change: p.Gly1803Glu; replaces glycine 1803 with glutamic acid.
Molecular consequence: missense variant.
Genome position (GRCh38, 1-based): chr6:75,134,842, C>T on the plus strand (G>A on the coding strand, the complement: COL12A1 is on the minus strand). VCF-style: chr6-75134842-C-T. GRCh37 (hg19) VCF-style: chr6-75844558-C-T.
Other names: c.1916G>A, p.Gly639Glu (NM_080645.3); short protein forms G639E, G1803E.
Identifiers: ClinVar variation 1380761 (VCV001380761.8), dbSNP rs754812998, ClinGen allele CA140991208.

ClinVar aggregate classification (germline): Uncertain significance (1 of 4 stars; one submission).

Conditions:
Ullrich congenital muscular dystrophy 2 (UCMD2). Identifiers: Orphanet 75840, MedGen C4225314, MONDO:0014654, OMIM 616470.
Bethlem myopathy 2 (BTHLM2). Identifiers: Orphanet 536516, Orphanet 610, MedGen C4225313, MONDO:0034022, OMIM 616471.

Allele frequency attached by ClinVar (database versions not stated): TOPMed below 0.00001.

Submission:

Labcorp Genetics (formerly Invitae), Labcorp
Classification: Uncertain significance for Bethlem myopathy 2; Ullrich congenital muscular dystrophy 2. Last evaluated: 2021-06-19. Review status: criteria provided, single submitter. Criteria: Invitae Variant Classification Sherloc (09022015). Collection method: clinical testing. Allele origin: germline.
Comment: This variant is not present in population databases (ExAC no frequency). In summary, the available evidence is currently insufficient to determine the role of this variant in disease. Therefore, it has been classified as a Variant of Uncertain Significance. Algorithms developed to predict the effect of missense changes on protein structure and function are either unavailable or do not agree on the potential impact of this missense change (SIFT: "Deleterious"; PolyPhen-2: "Probably Damaging"; Align-GVGD: "Class C0"). This variant has not been reported in the literature in individuals with COL12A1-related conditions. This sequence change replaces glycine with glutamic acid at codon 1803 of the COL12A1 protein (p.Gly1803Glu). The glycine residue is moderately conserved and there is a moderate physicochemical difference between glycine and glutamic acid.